The following is an entry in ClinVar:

ClinVar aggregate classification (germline): Benign. Review status: criteria provided, multiple submitters, no conflicts (2 of 4 stars). 4 submissions from 4 submitters: Benign (3). 1 of the submissions does not count toward it. Last evaluated 2026-01-21.

Conditions:
CPAMD8-related disorder. Also called: CPAMD8-related condition.

Allele frequency attached by ClinVar (database versions not stated): gnomAD exomes 0.00507; ESP Exome Variant Server 0.01871; 1000 Genomes Project 0.01877; TOPMed 0.01907; 1000 Genomes Project 30x 0.02171.
gnomAD v4.1: 10,223 of 1,613,634 alleles (0.63%); highest among the groups gnomAD compares: African/African-American, 5.4%; 166 homozygotes.

Submissions (4):

Labcorp Genetics (formerly Invitae), Labcorp
Classification: Benign. Last evaluated: 2026-01-21. Review status: criteria provided, single submitter. Criteria: Invitae Variant Classification Sherloc (09022015). Collection method: clinical testing. Allele origin: germline.

GeneDx
Classification: Benign. Last evaluated: 2021-05-05. Review status: criteria provided, single submitter. Criteria: GeneDx Variant Classification Process June 2021. Collection method: clinical testing. Allele origin: germline. Affected: yes.

Breakthrough Genomics
Classification: Benign. Review status: criteria provided, single submitter. Criteria: ACMG Guidelines, 2015. Collection method: not provided. Allele origin: germline. Inheritance: Autosomal recessive inheritance. Affected: yes.

PreventionGenetics, part of Exact Sciences
Classification: Benign for CPAMD8-related condition. Last evaluated: 2019-12-05. Review status: no assertion criteria provided. Collection method: clinical testing. Allele origin: germline. Not counted in ClinVar's aggregate classification.
Comment: This variant is classified as benign based on ACMG/AMP sequence variant interpretation guidelines (Richards et al. 2015 PMID: 25741868, with internal and published modifications).

NM_015692.5(CPAMD8):c.1511C>T (p.Thr504Ile)

Gene: CPAMD8 (C3 and PZP like alpha-2-macroglobulin domain containing 8; minus strand). Cytogenetic location: 19p13.11.
Variant type: single nucleotide variant.
Coding change: c.1511C>T on transcript NM_015692.5 (MANE Select); coding-DNA position 1511, C replaced by T.
Protein change: p.Thr504Ile; replaces threonine 504 with isoleucine.
Molecular consequence: missense variant.
Genome position (GRCh38, 1-based): chr19:16,980,571, G>A on the plus strand (C>T on the coding strand, the complement: CPAMD8 is on the minus strand). VCF-style: chr19-16980571-G-A. GRCh37 (hg19) VCF-style: chr19-17091381-G-A.
Other names: short protein forms T504I.
Identifiers: ClinVar variation 1181106 (VCV001181106.10), dbSNP rs61741485, ClinGen allele CA9285683.